The following is an entry in ClinVar:

NM_080680.3(COL11A2):c.1218_1221dup (p.Gly408fs)

Gene: COL11A2 (collagen type XI alpha 2 chain; minus strand). Cytogenetic location: 6p21.32.
Variant type: Duplication.
Coding change: c.1218_1221dup on transcript NM_080680.3 (MANE Select); coding-DNA positions 1218 to 1221, 4 bases duplicated (TGCG; older notation c.1218_1221dupTGCG).
Protein change: p.Gly408fs; shifts the reading frame from glycine 408.
Molecular consequence: frameshift variant.
Genome position (GRCh38, 1-based): chr6:33,180,964-33,180,967, CGCA duplicated on the plus strand (TGCG on the coding strand, the reverse complement: COL11A2 is on the minus strand). VCF-style (leftmost placement, unchanged base first): chr6-33180963-C-CCGCA. GRCh37 (hg19) VCF-style: chr6-33148740-C-CCGCA.
Other names: c.960_963dup, p.Gly322fs (NM_080681.3); c.1038_1041dup, p.Gly348fs (NM_001424108.1); c.372_375dup, p.Gly126fs (NM_001424109.1); c.192_195dup, p.Gly66fs (NM_001424110.1, NM_001424111.1); c.897_900dup, p.Gly301fs (NM_080679.3); short protein forms G301fs, G408fs, G126fs, G66fs, G322fs, G348fs.
Identifiers: ClinVar variation 2746400 (VCV002746400.3), dbSNP rs2535329809, ClinGen allele CA2697553261.

ClinVar aggregate classification (germline): Pathogenic (1 of 4 stars; one submission).

Submission:

Labcorp Genetics (formerly Invitae), Labcorp
Classification: Pathogenic. Last evaluated: 2023-07-25. Review status: criteria provided, single submitter. Criteria: Invitae Variant Classification Sherloc (09022015). Collection method: clinical testing. Allele origin: germline.
Comment: For these reasons, this variant has been classified as Pathogenic. Algorithms developed to predict the effect of sequence changes on RNA splicing suggest that this variant may disrupt the consensus splice site. This variant has not been reported in the literature in individuals affected with COL11A2-related conditions. This variant is not present in population databases (gnomAD no frequency). This sequence change creates a premature translational stop signal (p.Gly408Cysfs*56) in the COL11A2 gene. It is expected to result in an absent or disrupted protein product. Loss-of-function variants in COL11A2 are known to be pathogenic (PMID: 10677296, 21204229).

Literature cited by the submitters: PubMed 10677296; PubMed 21204229.